The following is an entry in ClinVar:

ClinVar aggregate classification (germline): Uncertain significance. Review status: criteria provided, multiple submitters, no conflicts (2 of 4 stars). 2 submissions from 2 submitters: Uncertain significance (2). Last evaluated 2025-07-12.

Conditions:
Cardiovascular phenotype. Identifiers: MedGen CN230736.
Hereditary cancer-predisposing syndrome. Also called: Neoplastic Syndromes, Hereditary; Tumor predisposition; Hereditary neoplastic syndrome; Hereditary Cancer Syndrome. Identifiers: Orphanet 140162, MedGen C0027672, MeSH D009386, MONDO:0015356.

Submissions (2):

Ambry Genetics
Classification: Uncertain significance for Cardiovascular phenotype; Hereditary cancer-predisposing syndrome. Last evaluated: 2025-07-12. Review status: criteria provided, single submitter. Criteria: Ambry Variant Classification Scheme 2023. Collection method: clinical testing. Allele origin: germline.
Comment: The p.K789T variant (also known as c.2366A>C), located in coding exon 20 of the LZTR1 gene, results from an A to C substitution at nucleotide position 2366. The lysine at codon 789 is replaced by threonine, an amino acid with similar properties. This amino acid position is conserved. In addition, this alteration is predicted to be deleterious by in silico analysis. Based on the available evidence, the clinical significance of this variant remains unclear.

Blueprint Genetics
Classification: Uncertain significance. Last evaluated: 2024-04-30. Review status: criteria provided, single submitter. Criteria: ACMG Guidelines, 2015. Collection method: clinical testing. Allele origin: germline.

NM_006767.4(LZTR1):c.2366A>C (p.Lys789Thr)

Gene: LZTR1 (leucine zipper like post translational regulator 1; plus strand). Cytogenetic location: 22q11.21.
Variant type: single nucleotide variant.
Coding change: c.2366A>C on transcript NM_006767.4 (MANE Select); coding-DNA position 2366, A replaced by C.
Protein change: p.Lys789Thr; replaces lysine 789 with threonine.
Molecular consequence: missense variant.
Genome position (GRCh38, 1-based): chr22:20,996,926, A>C. VCF-style: chr22-20996926-A-C. GRCh37 (hg19) VCF-style: chr22-21351215-A-C.
Other names: short protein forms K789T.
Identifiers: ClinVar variation 4101839 (VCV004101839.2).
Genomic context (GRCh38, chr22:20,996,926, plus strand): 5'-CAAGGTCCCTGCCATTGCAGATCCTGGAGGCAGCTGACAAAACGCAGGCACTGGACATGA[A>C]GCGGCACTGCCTGCACATCATTGTGCACCAGTTCACCAAGGTCAGGGCTCTGGCCTCCCC-3'
Protein context (NP_006758.2, residues 779-799): AADKTQALDM[Lys789Thr]RHCLHIIVHQ